The following is an entry in ClinVar:

ClinVar aggregate classification (germline): Likely benign. Review status: criteria provided, multiple submitters, no conflicts (2 of 4 stars). 3 submissions from 3 submitters: Likely benign (3). Last evaluated 2025-08-04.

Conditions:
Dyskeratosis congenita, autosomal dominant 2. Identifiers: MedGen C3151443, MONDO:0013521, OMIM 613989.
Idiopathic Pulmonary Fibrosis. Also called: Idiopathic fibrosing alveolitis, chronic form; idiopathic fibrosing alveolitis. Identifiers: Orphanet 2032, MedGen C1800706, MeSH D054990, MONDO:0800504.
Dyskeratosis congenita. Identifiers: Orphanet 1775, MedGen C0265965, MONDO:0015780.

Allele frequency attached by ClinVar (database versions not stated): gnomAD 0.00001; TOPMed 0.00002.
gnomAD v4.1: 2 of 1,614,034 alleles (0.00012%); highest among the groups gnomAD compares: African/African-American, 0.0013%; no homozygotes.

Submissions (3):

Mayo Clinic Laboratories, Mayo Clinic
Classification: Likely benign. Last evaluated: 2025-08-04. Review status: criteria provided, single submitter. Criteria: ACMG Guidelines, 2015. Collection method: clinical testing. Allele origin: germline. Observed: 1 variant allele.
Comment: BP4, BP7, PM2_supporting

Labcorp Genetics (formerly Invitae), Labcorp
Classification: Likely benign for Dyskeratosis congenita, autosomal dominant 2; Idiopathic Pulmonary Fibrosis. Last evaluated: 2025-06-03. Review status: criteria provided, single submitter. Criteria: Invitae Variant Classification Sherloc (09022015). Collection method: clinical testing. Allele origin: germline.

Ambry Genetics
Classification: Likely benign for Dyskeratosis congenita. Last evaluated: 2022-04-01. Review status: criteria provided, single submitter. Criteria: Ambry Variant Classification Scheme 2023. Collection method: clinical testing. Allele origin: germline.

NM_198253.3(TERT):c.2160C>T (p.Ile720=)

Gene: TERT (telomerase reverse transcriptase; minus strand). Cytogenetic location: 5p15.33.
Variant type: single nucleotide variant.
Coding change: c.2160C>T on transcript NM_198253.3 (MANE Select); coding-DNA position 2160, C replaced by T.
Protein change: p.Ile720=; no amino-acid change (isoleucine 720 retained).
Molecular consequence: synonymous variant. On other transcripts: non-coding transcript variant (1).
Genome position (GRCh38, 1-based): chr5:1,278,767, G>A on the plus strand (C>T on the coding strand, the complement: TERT is on the minus strand). VCF-style: chr5-1278767-G-A. GRCh37 (hg19) VCF-style: chr5-1278882-G-A.
Other names: p.Ile720=; c.2160C>T, p.Ile720= (NM_001193376.3, NM_003219.1).
Identifiers: ClinVar variation 1786904 (VCV001786904.8), dbSNP rs1212059525, ClinGen allele CA443024690.